The following is an entry in ClinVar:

NM_002351.5(SH2D1A):c.242_245del (p.Lys81fs)

Gene: SH2D1A (SH2 domain containing 1A; plus strand). Cytogenetic location: Xq25.
Variant type: Deletion.
Coding change: c.242_245del on transcript NM_002351.5 (MANE Select); coding-DNA positions 242 to 245, 4 bases deleted (AAAA; older notation c.242_245delAAAA).
Protein change: p.Lys81fs; shifts the reading frame from lysine 81.
Molecular consequence: frameshift variant.
Genome position (GRCh38, 1-based): chrX:124,370,216-124,370,219, AAAA deleted; deleting any 4 consecutive bases within chrX:124,370,214-124,370,219 gives the same sequence; the c. name uses the placement nearest the transcript's 3' end. VCF-style (leftmost placement, unchanged base first): chrX-124370213-TAAAA-T. GRCh37 (hg19) VCF-style: chrX-123504063-TAAAA-T.
Other names: c.242_245del, p.Lys81fs (NM_001114937.3); short protein forms K81fs.
Identifiers: ClinVar variation 5021465 (VCV005021465.1).

ClinVar aggregate classification (germline): Pathogenic (1 of 4 stars; one submission).

Conditions:
Lymphoproliferative syndrome with absent SAP expression.

Submission:

Genetics Laboratory, Great Ormond Street Hospital NHS Foundation Trust, North Thames Genomic Laboratory Hub
Classification: Pathogenic for Lymphoproliferative syndrome with absent SAP expression. Last evaluated: 2026-08-26. Review status: criteria provided, single submitter. Criteria: ACGS Best Practice Guidelines for Variant Classification in Rare Disease 2024 v1.2. Collection method: clinical testing. Allele origin: germline. Affected: yes.
Comment: PM2_moderate, PVS1_very-strong